The following is an entry in ClinVar:

ClinVar aggregate classification (germline): Uncertain significance (1 of 4 stars; one submission).

Conditions:
Hereditary cancer-predisposing syndrome. Also called: Hereditary Cancer Syndrome; Hereditary neoplastic syndrome; Tumor predisposition; Neoplastic Syndromes, Hereditary. Identifiers: Orphanet 140162, MedGen C0027672, MeSH D009386, MONDO:0015356.

Submission:

Ambry Genetics
Classification: Uncertain significance for Hereditary cancer-predisposing syndrome. Last evaluated: 2022-07-29. Review status: criteria provided, single submitter. Criteria: Ambry Variant Classification Scheme 2023. Collection method: clinical testing. Allele origin: germline.
Comment: The p.Q798K variant (also known as c.2392C>A), located in coding exon 17 of the MSH3 gene, results from a C to A substitution at nucleotide position 2392. The glutamine at codon 798 is replaced by lysine, an amino acid with similar properties. This amino acid position is conserved. In addition, this alteration is predicted to be tolerated by in silico analysis. Since supporting evidence is limited at this time, the clinical significance of this alteration remains unclear.

NM_002439.5(MSH3):c.2392C>A (p.Gln798Lys)

Gene: MSH3 (mutS homolog 3; plus strand). Cytogenetic location: 5q14.1.
Variant type: single nucleotide variant.
Coding change: c.2392C>A on transcript NM_002439.5 (MANE Select); coding-DNA position 2392, C replaced by A.
Protein change: p.Gln798Lys; replaces glutamine 798 with lysine.
Molecular consequence: missense variant.
Genome position (GRCh38, 1-based): chr5:80,778,793, C>A. VCF-style: chr5-80778793-C-A. GRCh37 (hg19) VCF-style: chr5-80074612-C-A.
Other names: short protein forms Q798K.
Identifiers: ClinVar variation 1790576 (VCV001790576.2), dbSNP rs2112007877, ClinGen allele CA360281850.